The following is an entry in ClinVar:

NM_201253.3(CRB1):c.3630del (p.Cys1211fs)

Gene: CRB1 (crumbs cell polarity complex component 1; plus strand). Cytogenetic location: 1q31.3.
Variant type: Deletion.
Coding change: c.3630del on transcript NM_201253.3 (MANE Select); coding-DNA position 3630, one base deleted (C; older notation c.3630delC).
Protein change: p.Cys1211fs; shifts the reading frame from cysteine 1211.
Molecular consequence: frameshift variant. On other transcripts: non-coding transcript variant (2), intron variant (1).
Genome position (GRCh38, 1-based): chr1:197,435,493, C deleted. VCF-style (leftmost placement, unchanged base first): chr1-197435492-AC-A. GRCh37 (hg19) VCF-style: chr1-197404622-AC-A.
Other names: c.3294del, p.Cys1099fs (NM_001193640.2); c.3558del, p.Cys1187fs (NM_001257965.2); c.2129-107del (NM_001257966.2); short protein forms C1187fs, C1211fs, C1099fs.
Identifiers: ClinVar variation 2126628 (VCV002126628.5), dbSNP rs1359621977, ClinGen allele CA528535398.

ClinVar aggregate classification (germline): Pathogenic/Likely pathogenic. Review status: criteria provided, multiple submitters, no conflicts (2 of 4 stars). 2 submissions from 2 submitters: Pathogenic (1); Likely pathogenic (1). Last evaluated 2023-11-07.

Conditions:
Retinitis pigmentosa 12 (RP12). Also called: RP WITH OR WITHOUT PPRPE; RP WITH OR WITHOUT PRESERVED PARAARTERIOLE RETINAL PIGMENT EPITHELIUM; RETINITIS PIGMENTOSA WITH OR WITHOUT PARAARTERIOLAR PRESERVATION OF RETINAL PIGMENT EPITHELIUM. Identifiers: Orphanet 791, MedGen C1838647, MONDO:0010818, OMIM 600105.
Leber congenital amaurosis 8 (LCA8). Identifiers: Orphanet 65, MedGen C3151202, MONDO:0013453, OMIM 613835.

Allele frequency attached by ClinVar (database versions not stated): gnomAD exomes below 0.00001; gnomAD 0.00001.

Submissions (2):

Baylor Genetics
Classification: Likely pathogenic for Leber congenital amaurosis 8. Last evaluated: 2023-11-07. Review status: criteria provided, single submitter. Criteria: ACMG Guidelines, 2015. Collection method: clinical testing. Allele origin: unknown.

Labcorp Genetics (formerly Invitae), Labcorp
Classification: Pathogenic for Leber congenital amaurosis 8; Retinitis pigmentosa 12. Last evaluated: 2023-09-21. Review status: criteria provided, single submitter. Criteria: Invitae Variant Classification Sherloc (09022015). Collection method: clinical testing. Allele origin: germline.
Comment: This sequence change creates a premature translational stop signal (p.Cys1211Valfs*5) in the CRB1 gene. It is expected to result in an absent or disrupted protein product. Loss-of-function variants in CRB1 are known to be pathogenic (PMID: 10508521, 22065545, 23379534, 25412400, 26957898, 28041643, 29391521). This variant is present in population databases (no rsID available, gnomAD 0.01%). This variant has not been reported in the literature in individuals affected with CRB1-related conditions. ClinVar contains an entry for this variant (Variation ID: 2126628). For these reasons, this variant has been classified as Pathogenic.

Literature cited by the submitters: PubMed 10508521 (cited by Labcorp Genetics (formerly Invitae), Labcorp); PubMed 22065545 (cited by Labcorp Genetics (formerly Invitae), Labcorp); PubMed 23379534 (cited by Labcorp Genetics (formerly Invitae), Labcorp); PubMed 25412400 (cited by Labcorp Genetics (formerly Invitae), Labcorp); PubMed 26957898 (cited by Labcorp Genetics (formerly Invitae), Labcorp); PubMed 28041643 (cited by Labcorp Genetics (formerly Invitae), Labcorp); PubMed 29391521 (cited by Labcorp Genetics (formerly Invitae), Labcorp).